The following is an entry in ClinVar:

ClinVar aggregate classification (germline): Uncertain significance (1 of 4 stars; one submission).

Submission:

Labcorp Genetics (formerly Invitae), Labcorp
Classification: Uncertain significance. Last evaluated: 2023-12-21. Review status: criteria provided, single submitter. Criteria: Invitae Variant Classification Sherloc (09022015). Collection method: clinical testing. Allele origin: germline.
Comment: This sequence change replaces arginine, which is basic and polar, with glycine, which is neutral and non-polar, at codon 985 of the ITGAM protein (p.Arg985Gly). This variant is not present in population databases (gnomAD no frequency). This variant has not been reported in the literature in individuals affected with ITGAM-related conditions. An algorithm developed to predict the effect of missense changes on protein structure and function (PolyPhen-2) suggests that this variant is likely to be tolerated. In summary, the available evidence is currently insufficient to determine the role of this variant in disease. Therefore, it has been classified as a Variant of Uncertain Significance.

NM_000632.4(ITGAM):c.2953C>G (p.Arg985Gly)

Gene: ITGAM (integrin subunit alpha M; plus strand). Cytogenetic location: 16p11.2.
Variant type: single nucleotide variant.
Coding change: c.2953C>G on transcript NM_000632.4 (MANE Select); coding-DNA position 2953, C replaced by G.
Protein change: p.Arg985Gly; replaces arginine 985 with glycine.
Molecular consequence: missense variant.
Genome position (GRCh38, 1-based): chr16:31,329,882, C>G. VCF-style: chr16-31329882-C-G. GRCh37 (hg19) VCF-style: chr16-31341203-C-G.
Other names: c.2956C>G, p.Arg986Gly (NM_001145808.2); short protein forms R985G, R986G.
Identifiers: ClinVar variation 2797032 (VCV002797032.3), dbSNP rs1396761062, ClinGen allele CA395699751.
Genomic context (GRCh38, chr16:31,329,882, plus strand): 5'-CTCCCCATCAGCCTGGTGTTCTTGGTGCCCGTCCGGCTGAACCAGACTGTCATATGGGAC[C>G]GCCCCCAGGTCACCTTCTCCGAGGTGAGCGGAGCTCGGCCTGACTCCTGCACGGCCCTGC-3'
Protein context (NP_000623.2, residues 975-995): VRLNQTVIWD[Arg985Gly]PQVTFSENLS